The following is an entry in ClinVar:

NM_000264.5(PTCH1):c.4009G>A (p.Ala1337Thr)

Gene: PTCH1 (patched 1; minus strand). Cytogenetic location: 9q22.32.
Variant type: single nucleotide variant.
Coding change: c.4009G>A on transcript NM_000264.5 (MANE Select); coding-DNA position 4009, G replaced by A.
Protein change: p.Ala1337Thr; replaces alanine 1337 with threonine.
Molecular consequence: missense variant. On other transcripts: non-coding transcript variant (1).
Genome position (GRCh38, 1-based): chr9:95,447,247, C>T on the plus strand (G>A on the coding strand, the complement: PTCH1 is on the minus strand). VCF-style: chr9-95447247-C-T. GRCh37 (hg19) VCF-style: chr9-98209529-C-T.
Other names: c.3811G>A, p.Ala1271Thr (NM_001083602.3); c.4006G>A, p.Ala1336Thr (NM_001083603.3); c.3556G>A, p.Ala1186Thr (NM_001083604.3, NM_001083605.3, NM_001083606.3 and 1 more transcripts); c.3853G>A, p.Ala1285Thr (NM_001354918.2); short protein forms A1186T, A1285T, A1337T, A1271T, A1336T.
Identifiers: ClinVar variation 1736986 (VCV001736986.7), dbSNP rs1838019230, ClinGen allele CA374110484.
Genomic context (GRCh38, chr9:95,447,247, plus strand): 5'-TGGCAGTGGACGCTGGGTTCCGAGGGTTGTGAGAACGGGCCCCGCGAGGGCCCCAGCGGG[C>T]CCTATTGCTAGGGCCAGAATGCCCTTCAGTAGAAATTTCAAAAGCGTCTCTGCGCGGTCT-3'
Protein context (NP_000255.2, residues 1327-1347): TEGHSGPSNR[Ala1337Thr]RWGPRGARSH

ClinVar aggregate classification (germline): Uncertain significance. Review status: criteria provided, multiple submitters, no conflicts (2 of 4 stars). 3 submissions from 3 submitters: Uncertain significance (3). Last evaluated 2025-05-28.

Conditions:
Gorlin syndrome. Also called: Nevoid Basal Cell Carcinoma Syndrome; Basal cell nevus syndrome. Identifiers: Orphanet 377, MedGen C0004779, MONDO:0007187.
Hereditary cancer-predisposing syndrome. Also called: Neoplastic Syndromes, Hereditary; Tumor predisposition; Hereditary Cancer Syndrome; Hereditary neoplastic syndrome. Identifiers: Orphanet 140162, MedGen C0027672, MeSH D009386, MONDO:0015356.
Basal cell carcinoma, susceptibility to, 1. Also called: BCC1. Identifiers: MedGen C2751544, MONDO:0011556, OMIM 605462.

Allele frequency attached by ClinVar (database versions not stated): gnomAD exomes below 0.00001; TOPMed below 0.00001.
gnomAD v4.1: 2 of 1,612,920 alleles (0.00012%); highest among the groups gnomAD compares: Non-Finnish European, 0.00017%; no homozygotes.

Submissions (3):

Labcorp Genetics (formerly Invitae), Labcorp
Classification: Uncertain significance for Gorlin syndrome. Last evaluated: 2025-05-28. Review status: criteria provided, single submitter. Criteria: Invitae Variant Classification Sherloc (09022015). Collection method: clinical testing. Allele origin: germline.
Comment: This sequence change replaces alanine, which is neutral and non-polar, with threonine, which is neutral and polar, at codon 1337 of the PTCH1 protein (p.Ala1337Thr). This variant is not present in population databases (gnomAD no frequency). This variant has not been reported in the literature in individuals affected with PTCH1-related conditions. ClinVar contains an entry for this variant (Variation ID: 1736986). Invitae Evidence Modeling of protein sequence and biophysical properties (such as structural, functional, and spatial information, amino acid conservation, physicochemical variation, residue mobility, and thermodynamic stability) indicates that this missense variant is not expected to disrupt PTCH1 protein function with a negative predictive value of 95%. In summary, the available evidence is currently insufficient to determine the role of this variant in disease. Therefore, it has been classified as a Variant of Uncertain Significance.

Ambry Genetics
Classification: Uncertain significance for Hereditary cancer-predisposing syndrome. Last evaluated: 2024-04-23. Review status: criteria provided, single submitter. Criteria: Ambry Variant Classification Scheme 2023. Collection method: clinical testing. Allele origin: germline.
Comment: The p.A1337T variant (also known as c.4009G>A), located in coding exon 23 of the PTCH1 gene, results from a G to A substitution at nucleotide position 4009. The alanine at codon 1337 is replaced by threonine, an amino acid with similar properties. This amino acid position is not well conserved in available vertebrate species. In addition, this alteration is predicted to be tolerated by in silico analysis. Based on the available evidence, the clinical significance of this variant remains unclear.

Baylor Genetics
Classification: Uncertain significance for Basal cell carcinoma, susceptibility to, 1. Last evaluated: 2023-06-08. Review status: criteria provided, single submitter. Criteria: ACMG Guidelines, 2015. Collection method: clinical testing. Allele origin: unknown.